The following is an entry in ClinVar:

NM_015122.3(FCHO1):c.2080G>C (p.Asp694His)

Gene: FCHO1 (FCH and mu domain containing endocytic adaptor 1; plus strand). Cytogenetic location: 19p13.11.
Variant type: single nucleotide variant.
Coding change: c.2080G>C on transcript NM_015122.3 (MANE Select); coding-DNA position 2080, G replaced by C.
Protein change: p.Asp694His; replaces aspartic acid 694 with histidine.
Molecular consequence: missense variant. On other transcripts: non-coding transcript variant (36).
Genome position (GRCh38, 1-based): chr19:17,783,159, G>C. VCF-style: chr19-17783159-G-C. GRCh37 (hg19) VCF-style: chr19-17893968-G-C.
Other names: c.2080G>C (NM_001161357.1); c.2080G>C, p.Asp694His (NM_001161357.2, NM_001161358.2, NM_001384370.1 and 13 more transcripts); c.1930G>C, p.Asp644His (NM_001161359.2, NM_001384384.1, NM_001384385.1 and 1 more transcripts); c.2041G>C, p.Asp681His (NM_001384388.1, NM_001384389.1, NM_001384405.1); c.2005G>C, p.Asp669His (NM_001384390.1); c.1963G>C, p.Asp655His (NM_001384392.1, NM_001384393.1, NM_001384394.1 and 1 more transcripts); c.1804G>C, p.Asp602His (NM_001384396.1, NM_001384397.1, NM_001384398.1 and 5 more transcripts); c.1759G>C, p.Asp587His (NM_001384403.1); and 2 more; short protein forms D602H, D644H, D504H, D552H, D587H, D681H, D655H, D669H.
Identifiers: ClinVar variation 1465172 (VCV001465172.5), dbSNP rs376539312, ClinGen allele CA9300736.

ClinVar aggregate classification (germline): Uncertain significance. Review status: criteria provided, multiple submitters, no conflicts (2 of 4 stars). 2 submissions from 2 submitters: Uncertain significance (2). Last evaluated 2025-12-19.

gnomAD v4.1: 51 of 1,613,894 alleles (0.0032%); highest among the groups gnomAD compares: Non-Finnish European, 0.0039%; no homozygotes.

Submissions (2):

Labcorp Genetics (formerly Invitae), Labcorp
Classification: Uncertain significance. Last evaluated: 2025-12-19. Review status: criteria provided, single submitter. Criteria: Invitae Variant Classification Sherloc (09022015). Collection method: clinical testing. Allele origin: germline.
Comment: This sequence change replaces aspartic acid, which is acidic and polar, with histidine, which is basic and polar, at codon 694 of the FCHO1 protein (p.Asp694His). This variant is present in population databases (rs376539312, gnomAD 0.004%). This variant has not been reported in the literature in individuals affected with FCHO1-related conditions. ClinVar contains an entry for this variant (Variation ID: 1465172). An algorithm developed to predict the effect of missense changes on protein structure and function (PolyPhen-2) suggests that this variant is likely to be disruptive. In summary, the available evidence is currently insufficient to determine the role of this variant in disease. Therefore, it has been classified as a Variant of Uncertain Significance.

Ambry Genetics
Classification: Uncertain significance. Last evaluated: 2025-08-08. Review status: criteria provided, single submitter. Criteria: Ambry Variant Classification Scheme 2023. Collection method: clinical testing. Allele origin: germline.